The following is an entry in ClinVar:

NM_001134407.3(GRIN2A):c.689A>T (p.Tyr230Phe)

Gene: GRIN2A (glutamate ionotropic receptor NMDA type subunit 2A; minus strand). Cytogenetic location: 16p13.2.
Variant type: single nucleotide variant.
Coding change: c.689A>T on transcript NM_001134407.3 (MANE Select); coding-DNA position 689, A replaced by T.
Protein change: p.Tyr230Phe; replaces tyrosine 230 with phenylalanine.
Molecular consequence: missense variant.
Genome position (GRCh38, 1-based): chr16:9,938,277, T>A on the plus strand (A>T on the coding strand, the complement: GRIN2A is on the minus strand). VCF-style: chr16-9938277-T-A. GRCh37 (hg19) VCF-style: chr16-10032134-T-A.
Other names: c.689A>T, p.Tyr230Phe (NM_000833.5, NM_001134408.2); short protein forms Y230F.
Identifiers: ClinVar variation 1019627 (VCV001019627.9), dbSNP rs996900968, ClinGen allele CA394798713.

ClinVar aggregate classification (germline): Uncertain significance (1 of 4 stars; one submission).

Conditions:
Landau-Kleffner syndrome (FESD). Also called: APHASIA, ACQUIRED, WITH EPILEPSY; EPILEPSY, FOCAL, WITH SPEECH DISORDER AND WITH OR WITHOUT MENTAL RETARDATION. Identifiers: Orphanet 1945, Orphanet 725, Orphanet 98818, MedGen C0282512, MONDO:0009509, OMIM 245570.

gnomAD v4.1: 2 of 1,614,072 alleles (0.00012%); highest among the groups gnomAD compares: Non-Finnish European, 0.00017%; no homozygotes.

Submission:

Labcorp Genetics (formerly Invitae), Labcorp
Classification: Uncertain significance for Landau-Kleffner syndrome. Last evaluated: 2020-08-20. Review status: criteria provided, single submitter. Criteria: Invitae Variant Classification Sherloc (09022015). Collection method: clinical testing. Allele origin: germline.
Comment: This variant is not present in population databases (ExAC no frequency). In summary, the available evidence is currently insufficient to determine the role of this variant in disease. Therefore, it has been classified as a Variant of Uncertain Significance. Advanced modeling of protein sequence and biophysical properties (such as structural, functional, and spatial information, amino acid conservation, physicochemical variation, residue mobility, and thermodynamic stability) performed at Invitae indicates that this missense variant is expected to disrupt GRIN2A protein function. This variant has not been reported in the literature in individuals with GRIN2A-related conditions. This sequence change replaces tyrosine with phenylalanine at codon 230 of the GRIN2A protein (p.Tyr230Phe). The tyrosine residue is highly conserved and there is a small physicochemical difference between tyrosine and phenylalanine.